The following is an entry in ClinVar:

ClinVar aggregate classification (germline): Uncertain significance (1 of 4 stars; one submission).

Submission:

GeneDx
Classification: Uncertain significance. Last evaluated: 2026-03-30. Review status: criteria provided, single submitter. Criteria: GeneDx Variant Classification Process June 2021. Collection method: clinical testing. Allele origin: germline.
Comment: Not observed at significant frequency in large population cohorts (gnomAD); In silico analysis supports that this missense variant has a deleterious effect on protein structure/function; Has not been previously published as pathogenic or benign to our knowledge

NM_006922.4(SCN3A):c.4428G>C (p.Lys1476Asn)

Gene: SCN3A (sodium voltage-gated channel alpha subunit 3; minus strand). Cytogenetic location: 2q24.3.
Variant type: single nucleotide variant.
Coding change: c.4428G>C on transcript NM_006922.4 (MANE Select); coding-DNA position 4428, G replaced by C.
Protein change: p.Lys1476Asn; replaces lysine 1476 with asparagine.
Molecular consequence: missense variant.
Genome position (GRCh38, 1-based): chr2:165,095,514, C>G on the plus strand (G>C on the coding strand, the complement: SCN3A is on the minus strand). VCF-style: chr2-165095514-C-G. GRCh37 (hg19) VCF-style: chr2-165952024-C-G.
Other names: c.4281G>C, p.Lys1427Asn (NM_001081676.2, NM_001081677.2); short protein forms K1427N, K1476N.
Identifiers: ClinVar variation 5017648 (VCV005017648.1).